The following is an entry in ClinVar:

NM_017827.4(SARS2):c.1546G>T (p.Ala516Ser)

Gene: SARS2 (seryl-tRNA synthetase 2, mitochondrial; minus strand). Cytogenetic location: 19q13.2.
Variant type: single nucleotide variant.
Coding change: c.1546G>T on transcript NM_017827.4 (MANE Select); coding-DNA position 1546, G replaced by T.
Protein change: p.Ala516Ser; replaces alanine 516 with serine.
Molecular consequence: missense variant.
Genome position (GRCh38, 1-based): chr19:38,915,617, C>A on the plus strand (G>T on the coding strand, the complement: SARS2 is on the minus strand). VCF-style: chr19-38915617-C-A. GRCh37 (hg19) VCF-style: chr19-39406257-C-A.
Other names: c.1552G>T, p.Ala518Ser (NM_001145901.2); short protein forms A516S, A518S.
Identifiers: ClinVar variation 3343240 (VCV003343240.2).
Genomic context (GRCh38, chr19:38,915,617, plus strand): 5'-TGAACTCCAGGAAGCAGTGACACCCCCGAGGGCTGCTGTGGGTGGGTTCTTAGCTTACAG[C>A]AGGCTGGCCAGGCAGCCCAGGCTTCCGGGGCTGGTTGGGGCCGATGTACTGGAGAGGCAC-3'
Protein context (NP_060297.1, residues 506-518): PRKPGLPGQP[Ala516Ser]VS

ClinVar aggregate classification (germline): Uncertain significance. Review status: criteria provided, multiple submitters, no conflicts (2 of 4 stars). 2 submissions from 2 submitters: Uncertain significance (2). Last evaluated 2024-04-16.

Conditions:
Hyperuricemia, pulmonary hypertension, renal failure, alkalosis syndrome (HUPRAS). Also called: HUPRA SYNDROME; HYPERURICEMIA, PULMONARY HYPERTENSION, RENAL FAILURE, AND ALKALOSIS SYNDROME. Identifiers: Orphanet 363694, MedGen C3151209, MONDO:0013458, OMIM 613845.

gnomAD v4.1: 8 of 1,612,328 alleles (0.0005%); highest among the groups gnomAD compares: South Asian, 0.0011%; no homozygotes.

Submissions (2):

Fulgent Genetics
Classification: Uncertain significance for Hyperuricemia, pulmonary hypertension, renal failure, alkalosis syndrome. Last evaluated: 2024-04-16. Review status: criteria provided, single submitter. Criteria: ACMG Guidelines, 2015. Collection method: clinical testing. Allele origin: germline.

GeneDx
Classification: Uncertain significance. Last evaluated: 2023-05-09. Review status: criteria provided, single submitter. Criteria: GeneDx Variant Classification Process June 2021. Collection method: clinical testing. Allele origin: germline. Affected: yes.
Comment: Not observed at significant frequency in large population cohorts (gnomAD); In silico analysis supports that this missense variant does not alter protein structure/function; Has not been previously published as pathogenic or benign to our knowledge